The following is an entry in ClinVar:

ClinVar aggregate classification (germline): Uncertain significance (1 of 4 stars; one submission).

Submission:

GeneDx
Classification: Uncertain significance. Last evaluated: 2025-03-06. Review status: criteria provided, single submitter. Criteria: GeneDx Variant Classification Process June 2021. Collection method: clinical testing. Allele origin: germline. Affected: yes.
Comment: Not observed at significant frequency in large population cohorts (gnomAD); In silico analysis indicates that this missense variant does not alter protein structure/function; Has not been previously published as pathogenic or benign to our knowledge

NM_016333.4(SRRM2):c.2477A>T (p.Lys826Ile)

Gene: SRRM2 (serine/arginine repetitive matrix 2; plus strand). Cytogenetic location: 16p13.3.
Variant type: single nucleotide variant.
Coding change: c.2477A>T on transcript NM_016333.4 (MANE Select); coding-DNA position 2477, A replaced by T.
Protein change: p.Lys826Ile; replaces lysine 826 with isoleucine.
Molecular consequence: missense variant.
Genome position (GRCh38, 1-based): chr16:2,763,005, A>T. VCF-style: chr16-2763005-A-T. GRCh37 (hg19) VCF-style: chr16-2813006-A-T.
Other names: short protein forms K826I.
Identifiers: ClinVar variation 4082682 (VCV004082682.1).